The following is an entry in ClinVar:

ClinVar aggregate classification (germline): Uncertain significance (1 of 4 stars; one submission).

Allele frequency attached by ClinVar (database versions not stated): gnomAD exomes below 0.00001 and 0.00001; TOPMed below 0.00001; gnomAD 0.00001.

Submission:

Labcorp Genetics (formerly Invitae), Labcorp
Classification: Uncertain significance. Last evaluated: 2021-05-28. Review status: criteria provided, single submitter. Criteria: Invitae Variant Classification Sherloc (09022015). Collection method: clinical testing. Allele origin: germline.
Comment: In summary, the available evidence is currently insufficient to determine the role of this variant in disease. Therefore, it has been classified as a Variant of Uncertain Significance. Algorithms developed to predict the effect of missense changes on protein structure and function are either unavailable or do not agree on the potential impact of this missense change (SIFT: "Tolerated"; PolyPhen-2: "Probably Damaging"; Align-GVGD: "Class C0"). This variant has not been reported in the literature in individuals with TONSL-related conditions. This variant is not present in population databases (ExAC no frequency). This sequence change replaces leucine with phenylalanine at codon 606 of the TONSL protein (p.Leu606Phe). The leucine residue is highly conserved and there is a small physicochemical difference between leucine and phenylalanine.

NM_013432.5(TONSL):c.1816C>T (p.Leu606Phe)

Genes: TONSL (tonsoku like, DNA repair protein; minus strand), TONSL-AS1 (TONSL antisense RNA 1; plus strand). Cytogenetic location: 8q24.3.
Variant type: single nucleotide variant.
Coding change: c.1816C>T on transcript NM_013432.5 (MANE Select); coding-DNA position 1816, C replaced by T.
Protein change: p.Leu606Phe; replaces leucine 606 with phenylalanine.
Molecular consequence: missense variant. On other transcripts: non-coding transcript variant (1).
Genome position (GRCh38, 1-based): chr8:144,436,831, G>A on the plus strand (C>T on the coding strand, the complement: TONSL is on the minus strand). VCF-style: chr8-144436831-G-A. GRCh37 (hg19) VCF-style: chr8-145662214-G-A.
Other names: short protein forms L606F.
Identifiers: ClinVar variation 1521996 (VCV001521996.8), dbSNP rs1440327766, ClinGen allele CA372661521.